The following is an entry in ClinVar:

NM_000136.3(FANCC):c.1085G>T (p.Gly362Val)

Genes: FANCC (FA complementation group C; minus strand), AOPEP (aminopeptidase O (putative); plus strand). Cytogenetic location: 9q22.32.
Variant type: single nucleotide variant.
Coding change: c.1085G>T on transcript NM_000136.3 (MANE Select); coding-DNA position 1085, G replaced by T.
Protein change: p.Gly362Val; replaces glycine 362 with valine.
Molecular consequence: missense variant.
Genome position (GRCh38, 1-based): chr9:95,114,698, C>A on the plus strand (G>T on the coding strand, the complement: FANCC is on the minus strand). VCF-style: chr9-95114698-C-A. GRCh37 (hg19) VCF-style: chr9-97876980-C-A.
Other names: c.1085G>T, p.Gly362Val (NM_001243743.2, NM_001243744.2); c.1085G>T (NM_000136.2); short protein forms G362V.
Identifiers: ClinVar variation 830302 (VCV000830302.12), dbSNP rs1246894660, ClinGen allele CA374108051.

ClinVar aggregate classification (germline): Uncertain significance. Review status: criteria provided, multiple submitters, no conflicts (2 of 4 stars). 4 submissions from 4 submitters: Uncertain significance (3). 1 of the submissions does not count toward it. Last evaluated 2022-10-03.

Conditions:
Hereditary cancer-predisposing syndrome. Also called: Hereditary neoplastic syndrome; Neoplastic Syndromes, Hereditary; Tumor predisposition; Hereditary Cancer Syndrome. Identifiers: Orphanet 140162, MedGen C0027672, MeSH D009386, MONDO:0015356.
Fanconi anemia (FA). Also called: Fanconi's anemia. Identifiers: Orphanet 84, MedGen C0015625, MeSH D005199, MONDO:0019391.
Hereditary breast ovarian cancer syndrome. Also called: Hereditary breast and/or ovarian cancer syndrome; Hereditary breast and ovarian cancer syndrome (HBOC); Breast and ovarian cancer; Hereditary breast and ovarian cancer; BRCA1- and BRCA2-Associated Hereditary Breast and Ovarian Cancer; Hereditary breast and ovarian cancer syndrome. Identifiers: Orphanet 145, MedGen C0677776, MeSH D061325, MONDO:0003582. Disease mechanism: loss of function.

Allele frequency attached by ClinVar (database versions not stated): gnomAD exomes below 0.00001 and 0.00002.
gnomAD v4.1: 14 of 1,614,132 alleles (0.00087%); highest among the groups gnomAD compares: East Asian, 0.031%; 1 homozygote.

Submissions (4):

Ambry Genetics
Classification: Uncertain significance for Hereditary cancer-predisposing syndrome. Last evaluated: 2022-10-03. Review status: criteria provided, single submitter. Criteria: Ambry Variant Classification Scheme 2023. Collection method: clinical testing. Allele origin: germline.
Comment: The p.G362V variant (also known as c.1085G>T), located in coding exon 11 of the FANCC gene, results from a G to T substitution at nucleotide position 1085. The glycine at codon 362 is replaced by valine, an amino acid with dissimilar properties. This amino acid position is not well conserved in available vertebrate species. In addition, this alteration is predicted to be tolerated by in silico analysis. Since supporting evidence is limited at this time, the clinical significance of this alteration remains unclear.

Labcorp Genetics (formerly Invitae), Labcorp
Classification: Uncertain significance for Fanconi anemia. Last evaluated: 2022-03-14. Review status: criteria provided, single submitter. Criteria: Invitae Variant Classification Sherloc (09022015). Collection method: clinical testing. Allele origin: germline.
Comment: This sequence change replaces glycine, which is neutral and non-polar, with valine, which is neutral and non-polar, at codon 362 of the FANCC protein (p.Gly362Val). This variant is present in population databases (no rsID available, gnomAD 0.006%). This variant has not been reported in the literature in individuals affected with FANCC-related conditions. ClinVar contains an entry for this variant (Variation ID: 830302). Algorithms developed to predict the effect of missense changes on protein structure and function (SIFT, PolyPhen-2, Align-GVGD) all suggest that this variant is likely to be tolerated. Algorithms developed to predict the effect of sequence changes on RNA splicing suggest that this variant may create or strengthen a splice site. In summary, the available evidence is currently insufficient to determine the role of this variant in disease. Therefore, it has been classified as a Variant of Uncertain Significance.

Cancer Genomics Group, Japanese Foundation For Cancer Research
Classification: Uncertain significance for Hereditary breast and ovarian cancer syndrome. Last evaluated: 2019-05-01. Review status: criteria provided, single submitter. Criteria: ACMG Guidelines, 2015. Collection method: research. Allele origin: germline. Affected: yes.

Natera, Inc.
Classification: Uncertain significance for Fanconi anemia. Last evaluated: 2020-01-24. Review status: no assertion criteria provided. Collection method: clinical testing. Allele origin: germline. Not counted in ClinVar's aggregate classification.